The following is an entry in ClinVar:

NM_016239.4(MYO15A):c.8925G>A (p.Val2975=)

Gene: MYO15A (myosin XVA; plus strand). Cytogenetic location: 17p11.2.
Variant type: single nucleotide variant.
Coding change: c.8925G>A on transcript NM_016239.4 (MANE Select); coding-DNA position 8925, G replaced by A.
Protein change: p.Val2975=; no amino-acid change (valine 2975 retained).
Molecular consequence: synonymous variant.
Genome position (GRCh38, 1-based): chr17:18,157,858, G>A. VCF-style: chr17-18157858-G-A. GRCh37 (hg19) VCF-style: chr17-18061172-G-A.
Other names: c.8925G>A (NM_016239.3).
Identifiers: ClinVar variation 1559147 (VCV001559147.13), dbSNP rs769056130, ClinGen allele CA8425309.

ClinVar aggregate classification (germline): Likely benign. Review status: criteria provided, multiple submitters, no conflicts (2 of 4 stars). 3 submissions from 3 submitters: Likely benign (3). Last evaluated 2026-09-14.

Conditions:
MYO15A-related disorder. Also called: MYO15A-related condition.

Allele frequency attached by ClinVar (database versions not stated): gnomAD 0.00003 and 0.00004; gnomAD exomes 0.00003 and 0.00008; TOPMed 0.00005; ExAC 0.00017.
gnomAD v4.1: 49 of 1,577,956 alleles (0.0031%); highest among the groups gnomAD compares: Middle Eastern, 0.086%; no homozygotes.

Submissions (3):

PreventionGenetics, part of Exact Sciences
Classification: Likely benign for MYO15A-related condition. Last evaluated: 2026-09-14. Review status: criteria provided, single submitter. Criteria: ACMG Guidelines, 2015. Collection method: clinical testing. Allele origin: germline.
Comment: This variant is classified as likely benign based on ACMG/AMP sequence variant interpretation guidelines (Richards et al. 2015 PMID: 25741868, with internal and published modifications).

CeGaT Center for Human Genetics Tuebingen
Classification: Likely benign. Last evaluated: 2026-03-01. Review status: criteria provided, single submitter. Criteria: CeGaT Center For Human Genetics Tuebingen Variant Classification Criteria Version 2. Collection method: clinical testing. Allele origin: germline. Affected: yes. Observed: 1 variant allele.
Comment: MYO15A: BP4, BP7

Labcorp Genetics (formerly Invitae), Labcorp
Classification: Likely benign. Last evaluated: 2024-02-08. Review status: criteria provided, single submitter. Criteria: Invitae Variant Classification Sherloc (09022015). Collection method: clinical testing. Allele origin: germline.